The following is an entry in ClinVar:

NM_000548.5(TSC2):c.1444-1G>A

Gene: TSC2 (TSC complex subunit 2; plus strand). Cytogenetic location: 16p13.3.
Variant type: single nucleotide variant.
Coding change: c.1444-1G>A on transcript NM_000548.5 (MANE Select); the canonical splice acceptor site of the intron before coding-DNA position 1444, G replaced by A.
Molecular consequence: splice acceptor variant.
Genome position (GRCh38, 1-based): chr16:2,064,271, G>A. VCF-style: chr16-2064271-G-A. GRCh37 (hg19) VCF-style: chr16-2114272-G-A.
Other names: c.1477-1G>A (NM_001318832.2); c.100-1G>A (NM_001406693.1, NM_001406689.1, NM_001406690.1 and 6 more transcripts); c.1534-1G>A (NM_001406667.1, NM_001406668.1); c.844-1G>A (NM_001406680.1, NM_001406683.1, NM_001406687.1 and 6 more transcripts); c.-159-1G>A (NM_001406698.1); c.1444-1G>A (NM_001114382.3, NM_001406663.1, NM_001406664.1 and 6 more transcripts); c.1432-1G>A (NM_001406671.1, NM_001406673.1); c.982-1G>A (NM_001406681.1); and 3 more.
Identifiers: ClinVar variation 50127 (VCV000050127.7), dbSNP rs45515902, ClinGen allele CA014864.

ClinVar aggregate classification (germline): Pathogenic. Review status: criteria provided, multiple submitters, no conflicts (2 of 4 stars). 3 submissions from 3 submitters: Pathogenic (2). 1 of the submissions does not count toward it. Last evaluated 2022-08-22.

Conditions:
Tuberous sclerosis 2 (TSC2). Identifiers: Orphanet 805, MedGen C1860707, MONDO:0013199, OMIM 613254.
Tuberous sclerosis syndrome (TSC). Also called: Tuberous Sclerosis Complex; Tuberous sclerosis. Identifiers: Orphanet 805, MedGen C0041341, MONDO:0001734.

Submissions (3):

Labcorp Genetics (formerly Invitae), Labcorp
Classification: Pathogenic for Tuberous sclerosis 2. Last evaluated: 2022-08-22. Review status: criteria provided, single submitter. Criteria: Invitae Variant Classification Sherloc (09022015). Collection method: clinical testing. Allele origin: germline.
Comment: For these reasons, this variant has been classified as Pathogenic. Algorithms developed to predict the effect of sequence changes on RNA splicing suggest that this variant may disrupt the consensus splice site. ClinVar contains an entry for this variant (Variation ID: 50127). This variant is also known as 1462-1G>A. Disruption of this splice site has been observed in individual(s) with tuberous sclerosis complex (PMID: 10205261, 20165957). This variant is not present in population databases (gnomAD no frequency). This sequence change affects an acceptor splice site in intron 14 of the TSC2 gene. It is expected to disrupt RNA splicing. Variants that disrupt the donor or acceptor splice site typically lead to a loss of protein function (PMID: 16199547), and loss-of-function variants in TSC2 are known to be pathogenic (PMID: 10205261, 17304050).

Juno Genomics, Hangzhou Juno Genomics, Inc
Classification: Pathogenic for Tuberous sclerosis 2. Review status: criteria provided, single submitter. Criteria: ACMG Guidelines, 2015. Collection method: clinical testing. Allele origin: germline. Affected: yes.
Comment: Absent from controls (or at extremely low frequency if recessive) in Genome Aggregation Database, Exome Sequencing Project, 1000 Genomes Project, or Exome Aggregation Consortium.;Null variant in a gene where loss of function (LOF) is a known mechanism of disease.;The prevalence of the variant in affected individuals is significantly increased compared to the prevalence in controls.;Patient's phenotype or family history is highly specific for a disease with a single genetic etiology.;Same amino acid change as a previously established pathogenic variant regardless of nucleotide change.

Tuberous sclerosis database (TSC2)
No classification provided. Condition: TSC. Review status: no classification provided. Criteria: Tuberous Sclerosis Database Assertion Criteria 2015. Collection method: curation. Allele origin: germline. Affected: yes. Not counted in ClinVar's aggregate classification.

Literature cited by the submitters: PubMed 10205261 (cited by Labcorp Genetics (formerly Invitae), Labcorp); PubMed 20165957 (cited by Labcorp Genetics (formerly Invitae), Labcorp); PubMed 16199547 (cited by Labcorp Genetics (formerly Invitae), Labcorp); PubMed 17304050 (cited by Labcorp Genetics (formerly Invitae), Labcorp).